The following is an entry in ClinVar:

ClinVar aggregate classification (germline): Uncertain significance (1 of 4 stars; one submission).

Conditions:
Fanconi anemia (FA). Also called: Fanconi's anemia. Identifiers: Orphanet 84, MedGen C0015625, MeSH D005199, MONDO:0019391.

Allele frequency attached by ClinVar (database versions not stated): gnomAD 0.00001; gnomAD exomes 0.00001; TOPMed 0.00001.
gnomAD v4.1: 3 of 1,611,400 alleles (0.00019%); highest among the groups gnomAD compares: Non-Finnish European, 0.00025%; no homozygotes.

Submission:

Labcorp Genetics (formerly Invitae), Labcorp
Classification: Uncertain significance for Fanconi anemia. Last evaluated: 2024-08-21. Review status: criteria provided, single submitter. Criteria: Invitae Variant Classification Sherloc (09022015). Collection method: clinical testing. Allele origin: germline.
Comment: This sequence change falls in intron 6 of the FANCI gene. It does not directly change the encoded amino acid sequence of the FANCI protein. It affects a nucleotide within the consensus splice site. This variant is present in population databases (no rsID available, gnomAD 0.002%). This variant has not been reported in the literature in individuals affected with FANCI-related conditions. ClinVar contains an entry for this variant (Variation ID: 526365). Variants that disrupt the consensus splice site are a relatively common cause of aberrant splicing (PMID: 17576681, 9536098). Algorithms developed to predict the effect of sequence changes on RNA splicing suggest that this variant is not likely to affect RNA splicing. In summary, the available evidence is currently insufficient to determine the role of this variant in disease. Therefore, it has been classified as a Variant of Uncertain Significance.

Literature cited by the submitters: PubMed 17576681; PubMed 9536098.

NM_001113378.2(FANCI):c.504-3C>T

Gene: FANCI (FA complementation group I; plus strand). Cytogenetic location: 15q26.1.
Variant type: single nucleotide variant.
Coding change: c.504-3C>T on transcript NM_001113378.2 (MANE Select); 3 bases into the intron before coding-DNA position 504, C replaced by T.
Molecular consequence: intron variant.
Genome position (GRCh38, 1-based): chr15:89,263,416, C>T. VCF-style: chr15-89263416-C-T. GRCh37 (hg19) VCF-style: chr15-89806647-C-T.
Other names: c.504-3C>T (NM_018193.3, NM_001376911.1); c.225-3C>T (NM_001376910.1).
Identifiers: ClinVar variation 526365 (VCV000526365.10), dbSNP rs1457153041, ClinGen allele CA619509013.